The following is an entry in ClinVar:

NM_178452.6(DNAAF1):c.482A>G (p.Asn161Ser)

Gene: DNAAF1 (dynein axonemal assembly factor 1; plus strand). Cytogenetic location: 16q24.1.
Variant type: single nucleotide variant.
Coding change: c.482A>G on transcript NM_178452.6 (MANE Select); coding-DNA position 482, A replaced by G.
Protein change: p.Asn161Ser; replaces asparagine 161 with serine.
Molecular consequence: missense variant.
Genome position (GRCh38, 1-based): chr16:84,154,706, A>G. VCF-style: chr16-84154706-A-G. GRCh37 (hg19) VCF-style: chr16-84188311-A-G.
Other names: short protein forms N161S.
Identifiers: ClinVar variation 948128 (VCV000948128.6), dbSNP rs752043457, ClinGen allele CA8202507.

ClinVar aggregate classification (germline): Uncertain significance (1 of 4 stars; one submission).

Conditions:
Primary ciliary dyskinesia. Also called: Ciliary dyskinesia. Identifiers: Orphanet 244, MedGen C0008780, MONDO:0016575, HP:0012265.

Allele frequency attached by ClinVar (database versions not stated): gnomAD exomes below 0.00001; ExAC 0.00001; TOPMed 0.00001.

Submission:

Labcorp Genetics (formerly Invitae), Labcorp
Classification: Uncertain significance for Primary ciliary dyskinesia. Last evaluated: 2023-10-13. Review status: criteria provided, single submitter. Criteria: Invitae Variant Classification Sherloc (09022015). Collection method: clinical testing. Allele origin: germline.
Comment: This sequence change replaces asparagine, which is neutral and polar, with serine, which is neutral and polar, at codon 161 of the DNAAF1 protein (p.Asn161Ser). This variant is present in population databases (rs752043457, gnomAD 0.003%). This missense change has been observed in individual(s) with clinical features of DNAAF1-related conditions (Invitae). ClinVar contains an entry for this variant (Variation ID: 948128). An algorithm developed to predict the effect of missense changes on protein structure and function (PolyPhen-2) suggests that this variant is likely to be disruptive. In summary, the available evidence is currently insufficient to determine the role of this variant in disease. Therefore, it has been classified as a Variant of Uncertain Significance.